The following is an entry in ClinVar:

ClinVar aggregate classification (germline): Uncertain significance (1 of 4 stars; one submission).

Conditions:
Hereditary cancer-predisposing syndrome. Also called: Neoplastic Syndromes, Hereditary; Tumor predisposition; Hereditary neoplastic syndrome; Hereditary Cancer Syndrome. Identifiers: Orphanet 140162, MedGen C0027672, MeSH D009386, MONDO:0015356.

Submission:

Ambry Genetics
Classification: Uncertain significance for Hereditary cancer-predisposing syndrome. Last evaluated: 2024-06-20. Review status: criteria provided, single submitter. Criteria: Ambry Variant Classification Scheme 2023. Collection method: clinical testing. Allele origin: germline.
Comment: The p.A1154V variant (also known as c.3461C>T), located in coding exon 21 of the PTCH1 gene, results from a C to T substitution at nucleotide position 3461. The alanine at codon 1154 is replaced by valine, an amino acid with similar properties. This amino acid position is conserved. In addition, this alteration is predicted to be deleterious by in silico analysis. Based on the available evidence, the clinical significance of this variant remains unclear.

NM_000264.5(PTCH1):c.3461C>T (p.Ala1154Val)

Gene: PTCH1 (patched 1; minus strand). Cytogenetic location: 9q22.32.
Variant type: single nucleotide variant.
Coding change: c.3461C>T on transcript NM_000264.5 (MANE Select); coding-DNA position 3461, C replaced by T.
Protein change: p.Ala1154Val; replaces alanine 1154 with valine.
Molecular consequence: missense variant. On other transcripts: non-coding transcript variant (1).
Genome position (GRCh38, 1-based): chr9:95,449,929, G>A on the plus strand (C>T on the coding strand, the complement: PTCH1 is on the minus strand). VCF-style: chr9-95449929-G-A. GRCh37 (hg19) VCF-style: chr9-98212211-G-A.
Other names: c.3263C>T, p.Ala1088Val (NM_001083602.3); c.3458C>T, p.Ala1153Val (NM_001083603.3); c.3008C>T, p.Ala1003Val (NM_001083604.3, NM_001083605.3, NM_001083606.3 and 1 more transcripts); c.3305C>T, p.Ala1102Val (NM_001354918.2); short protein forms A1153V, A1003V, A1088V, A1102V, A1154V.
Identifiers: ClinVar variation 3311205 (VCV003311205.1).